The following is an entry in ClinVar:

NM_000059.4(BRCA2):c.2701C>G (p.Leu901Val)

Gene: BRCA2 (BRCA2 DNA repair associated; plus strand). Cytogenetic location: 13q13.1.
Variant type: single nucleotide variant.
Coding change: c.2701C>G on transcript NM_000059.4 (MANE Select); coding-DNA position 2701, C replaced by G.
Protein change: p.Leu901Val; replaces leucine 901 with valine.
Molecular consequence: missense variant.
Genome position (GRCh38, 1-based): chr13:32,337,056, C>G. VCF-style: chr13-32337056-C-G. GRCh37 (hg19) VCF-style: chr13-32911193-C-G.
Other names: c.2701C>G (NM_000059.3); short protein forms L901V.
Identifiers: ClinVar variation 1450960 (VCV001450960.10), dbSNP rs2072463186, ClinGen allele CA387773499.

ClinVar aggregate classification (germline): Conflicting classifications of pathogenicity. Review status: criteria provided, conflicting classifications (1 of 4 stars). 3 submissions from 3 submitters: Uncertain significance (2); Likely benign (1). Last evaluated 2025-06-14.

Conditions:
Hereditary cancer-predisposing syndrome. Also called: Hereditary Cancer Syndrome; Hereditary neoplastic syndrome; Neoplastic Syndromes, Hereditary; Tumor predisposition. Identifiers: Orphanet 140162, MedGen C0027672, MeSH D009386, MONDO:0015356.
Hereditary breast ovarian cancer syndrome. Also called: BRCA1- and BRCA2-Associated Hereditary Breast and Ovarian Cancer; Hereditary breast and ovarian cancer; Hereditary breast and ovarian cancer syndrome (HBOC); Hereditary breast and/or ovarian cancer syndrome; Hereditary breast and ovarian cancer syndrome; Breast and ovarian cancer. Identifiers: Orphanet 145, MedGen C0677776, MeSH D061325, MONDO:0003582. Disease mechanism: loss of function.

Submissions (3):

Labcorp Genetics (formerly Invitae), Labcorp
Classification: Uncertain significance for Hereditary breast ovarian cancer syndrome. Last evaluated: 2025-06-14. Review status: criteria provided, single submitter. Criteria: Invitae Variant Classification Sherloc (09022015). Collection method: clinical testing. Allele origin: germline.
Comment: This sequence change replaces leucine, which is neutral and non-polar, with valine, which is neutral and non-polar, at codon 901 of the BRCA2 protein (p.Leu901Val). This variant is not present in population databases (gnomAD no frequency). This variant has not been reported in the literature in individuals affected with BRCA2-related conditions. ClinVar contains an entry for this variant (Variation ID: 1450960). Invitae Evidence Modeling of protein sequence and biophysical properties (such as structural, functional, and spatial information, amino acid conservation, physicochemical variation, residue mobility, and thermodynamic stability) indicates that this missense variant is not expected to disrupt BRCA2 protein function with a negative predictive value of 95%. In summary, the available evidence is currently insufficient to determine the role of this variant in disease. Therefore, it has been classified as a Variant of Uncertain Significance.

Ambry Genetics
Classification: Uncertain significance for Hereditary cancer-predisposing syndrome. Last evaluated: 2025-05-29. Review status: criteria provided, single submitter. Criteria: Ambry Variant Classification Scheme 2023. Collection method: clinical testing. Allele origin: germline.
Comment: The p.L901V variant (also known as c.2701C>G), located in coding exon 10 of the BRCA2 gene, results from a C to G substitution at nucleotide position 2701. The leucine at codon 901 is replaced by valine, an amino acid with highly similar properties. This amino acid position is conserved. In addition, this alteration is predicted to be tolerated by in silico analysis. Based on the available evidence, the clinical significance of this variant remains unclear.

University of Washington Department of Laboratory Medicine, University of Washington
Classification: Likely benign for Hereditary cancer-predisposing syndrome. Last evaluated: 2023-03-23. Review status: criteria provided, single submitter. Criteria: Dines et al. (Genet Med. 2020). Collection method: curation. Allele origin: germline.
Comment: Missense variant in a coldspot region where missense variants are very unlikely to be pathogenic (PMID:31911673).

BRCA2 exon 11 coldspot. Reclassification based on statistical prior probability.